The following is an entry in ClinVar:

NM_018676.4(THSD1):c.1181-9T>G

Gene: THSD1 (thrombospondin type 1 domain containing 1; minus strand). Cytogenetic location: 13q14.3.
Variant type: single nucleotide variant.
Coding change: c.1181-9T>G on transcript NM_018676.4 (MANE Select); 9 bases into the intron before coding-DNA position 1181, T replaced by G.
Molecular consequence: intron variant.
Genome position (GRCh38, 1-based): chr13:52,378,798, A>C on the plus strand (T>G on the coding strand, the complement: THSD1 is on the minus strand). VCF-style: chr13-52378798-A-C. GRCh37 (hg19) VCF-style: chr13-52952933-A-C.
Other names: c.1022-9T>G (NM_199263.3).
Identifiers: ClinVar variation 777431 (VCV000777431.7), dbSNP rs200873789, ClinGen allele CA6992039.

ClinVar aggregate classification (germline): Benign. Review status: criteria provided, multiple submitters, no conflicts (2 of 4 stars). 3 submissions from 3 submitters: Benign (2). 1 of the submissions does not count toward it. Last evaluated 2019-12-31.

Conditions:
THSD1-related disorder. Also called: THSD1-related condition.

Allele frequency attached by ClinVar (database versions not stated): gnomAD 0.00313 and 0.00326; ESP Exome Variant Server 0.00331; TOPMed 0.00354; 1000 Genomes Project 0.00419.
gnomAD v4.1: 1,521 of 1,556,502 alleles (0.098%); highest among the groups gnomAD compares: African/African-American, 1%; 17 homozygotes.

Submissions (3):

Labcorp Genetics (formerly Invitae), Labcorp
Classification: Benign. Last evaluated: 2019-12-31. Review status: criteria provided, single submitter. Criteria: Invitae Variant Classification Sherloc (09022015). Collection method: clinical testing. Allele origin: germline.

Breakthrough Genomics
Classification: Benign. Review status: criteria provided, single submitter. Criteria: ACMG Guidelines, 2015. Collection method: not provided. Allele origin: germline. Inheritance: Autosomal dominant inheritance. Affected: yes.

PreventionGenetics, part of Exact Sciences
Classification: Likely benign for THSD1-related condition. Last evaluated: 2020-01-28. Review status: no assertion criteria provided. Collection method: clinical testing. Allele origin: germline. Not counted in ClinVar's aggregate classification.
Comment: This variant is classified as likely benign based on ACMG/AMP sequence variant interpretation guidelines (Richards et al. 2015 PMID: 25741868, with internal and published modifications).